The following is an entry in ClinVar:

NM_145038.5(DRC1):c.391C>T (p.Gln131Ter)

Gene: DRC1 (dynein regulatory complex subunit 1; plus strand). Cytogenetic location: 2p23.3.
Variant type: single nucleotide variant.
Coding change: c.391C>T on transcript NM_145038.5 (MANE Select); coding-DNA position 391, C replaced by T.
Protein change: p.Gln131Ter; replaces glutamine 131 with a stop codon.
Molecular consequence: nonsense.
Genome position (GRCh38, 1-based): chr2:26,424,305, C>T. VCF-style: chr2-26424305-C-T. GRCh37 (hg19) VCF-style: chr2-26647173-C-T.
Other names: short protein forms Q131*.
Identifiers: ClinVar variation 2420565 (VCV002420565.14), dbSNP rs2465381898, ClinGen allele CA346098902.

ClinVar aggregate classification (germline): Pathogenic (1 of 4 stars; one submission).

Conditions:
Primary ciliary dyskinesia. Also called: Ciliary dyskinesia. Identifiers: Orphanet 244, MedGen C0008780, MONDO:0016575, HP:0012265.

Submission:

Labcorp Genetics (formerly Invitae), Labcorp
Classification: Pathogenic for Primary ciliary dyskinesia. Last evaluated: 2022-11-14. Review status: criteria provided, single submitter. Criteria: Invitae Variant Classification Sherloc (09022015). Collection method: clinical testing. Allele origin: germline.
Comment: For these reasons, this variant has been classified as Pathogenic. Algorithms developed to predict the effect of sequence changes on RNA splicing suggest that this variant may disrupt the consensus splice site. This sequence change creates a premature translational stop signal (p.Gln131*) in the DRC1 gene. It is expected to result in an absent or disrupted protein product. Loss-of-function variants in DRC1 are known to be pathogenic (PMID: 23354437, 31960620). This variant is not present in population databases (gnomAD no frequency). This variant has not been reported in the literature in individuals affected with DRC1-related conditions.

Literature cited by the submitters: PubMed 23354437; PubMed 31960620.